The following is an entry in ClinVar:

NM_001042492.3(NF1):c.7278del (p.Cys2426fs)

Gene: NF1 (neurofibromin 1; plus strand). Cytogenetic location: 17q11.2.
Variant type: Deletion.
Coding change: c.7278del on transcript NM_001042492.3 (MANE Select); coding-DNA position 7278, one base deleted (T; older notation c.7278delT).
Protein change: p.Cys2426fs; shifts the reading frame from cysteine 2426.
Molecular consequence: frameshift variant.
Genome position (GRCh38, 1-based): chr17:31,349,208, T deleted. VCF-style (leftmost placement, unchanged base first): chr17-31349207-GT-G. GRCh37 (hg19) VCF-style: chr17-29676225-GT-G.
Other names: c.7215delT, p.Cys2405Trpfs (NM_000267.4); short protein forms C2405fs, C2426fs.
Identifiers: ClinVar variation 956335 (VCV000956335.6), dbSNP rs2070077052, ClinGen allele CA1139665470.
Genomic context (GRCh38, chr17:31,349,207, plus strand): 5'-TTGCAAGAACAGTCAGAATTTTACATACACTACTAACTCTGGTTAACAAACACAGAAATT[GT>G]GACAAATTTGAAGTGAATACACAGAGCGTGGCCTACTTAGCAGGTAAAAACACAAAATAA-3'

ClinVar aggregate classification (germline): Pathogenic (1 of 4 stars; one submission).

Conditions:
Neurofibromatosis, type 1 (NF1). Also called: VON RECKLINGHAUSEN DISEASE; NEUROFIBROMATOSIS, TYPE I, SOMATIC; Peripheral type neurofibromatosis; Neurofibromatosis, type I. Identifiers: Orphanet 636, MedGen C0027831, MONDO:0018975, OMIM 162200. Disease mechanism: loss of function.

Submission:

Labcorp Genetics (formerly Invitae), Labcorp
Classification: Pathogenic for Neurofibromatosis, type 1. Last evaluated: 2021-11-19. Review status: criteria provided, single submitter. Criteria: Invitae Variant Classification Sherloc (09022015). Collection method: clinical testing. Allele origin: germline.
Comment: This variant is not present in population databases (gnomAD no frequency). This sequence change creates a premature translational stop signal (p.Cys2405Trpfs*6) in the NF1 gene. It is expected to result in an absent or disrupted protein product. Loss-of-function variants in NF1 are known to be pathogenic (PMID: 10712197, 23913538). For these reasons, this variant has been classified as Pathogenic. ClinVar contains an entry for this variant (Variation ID: 956335). This variant has not been reported in the literature in individuals affected with NF1-related conditions.

Literature cited by the submitters: PubMed 10712197; PubMed 23913538.